The following is an entry in ClinVar:

NM_000718.4(CACNA1B):c.3279C>G (p.Val1093=)

Gene: CACNA1B (calcium voltage-gated channel subunit alpha1 B; plus strand). Cytogenetic location: 9q34.3.
Variant type: single nucleotide variant.
Coding change: c.3279C>G on transcript NM_000718.4 (MANE Select); coding-DNA position 3279, C replaced by G.
Protein change: p.Val1093=; no amino-acid change (valine 1093 retained).
Molecular consequence: synonymous variant.
Genome position (GRCh38, 1-based): chr9:138,025,165, C>G. VCF-style: chr9-138025165-C-G. GRCh37 (hg19) VCF-style: chr9-140919617-C-G.
Other names: c.3279C>G, p.Val1093= (NM_001243812.2).
Identifiers: ClinVar variation 799865 (VCV000799865.23), dbSNP rs147270326, ClinGen allele CA5376574.

ClinVar aggregate classification (germline): Likely benign. Review status: criteria provided, multiple submitters, no conflicts (2 of 4 stars). 3 submissions from 3 submitters: Likely benign (3). Last evaluated 2026-02-02.

Allele frequency attached by ClinVar (database versions not stated): TOPMed 0.00019.
gnomAD v4.1: 254 of 1,605,960 alleles (0.016%); highest among the groups gnomAD compares: Non-Finnish European, 0.021%; no homozygotes.

Submissions (3):

Labcorp Genetics (formerly Invitae), Labcorp
Classification: Likely benign. Last evaluated: 2026-02-02. Review status: criteria provided, single submitter. Criteria: Invitae Variant Classification Sherloc (09022015). Collection method: clinical testing. Allele origin: germline.

CeGaT Center for Human Genetics Tuebingen
Classification: Likely benign. Last evaluated: 2025-01-01. Review status: criteria provided, single submitter. Criteria: CeGaT Center For Human Genetics Tuebingen Variant Classification Criteria Version 2. Collection method: clinical testing. Allele origin: germline. Affected: yes. Observed: 1 variant allele.
Comment: CACNA1B: BP4, BP7

Blueprint Genetics
Classification: Likely benign. Last evaluated: 2021-06-22. Review status: criteria provided, single submitter. Criteria: ACMG Guidelines, 2015. Collection method: clinical testing. Allele origin: germline.